The following is an entry in ClinVar:

NC_000022.10:g.(?_41264983)_(41729217_?)dup

Genes: L3MBTL2-AS1 (L3MBTL2 antisense RNA 1; minus strand), EP300-AS1 (EP300 antisense RNA 1; minus strand), RANGAP1 (Ran GTPase activating protein 1; minus strand), EP300 (EP300 lysine acetyltransferase; plus strand), MIR1281 (microRNA 1281; plus strand) and 24 more. Cytogenetic location: 22q13.2.
Variant type: Duplication.
Identifiers: ClinVar variation 471411 (VCV000471411.1).

ClinVar aggregate classification (germline): Uncertain significance (1 of 4 stars; one submission).

Conditions:
Nephronophthisis-like nephropathy 1 (NPHPL1). Identifiers: Orphanet 655, MedGen C3150419, MONDO:0013163, OMIM 613159.

Submission:

Labcorp Genetics (formerly Invitae), Labcorp
Classification: Uncertain significance for Nephronophthisis-like nephropathy 1. Last evaluated: 2017-02-10. Review status: criteria provided, single submitter. Criteria: Invitae Variant Classification Sherloc (09022015). Collection method: clinical testing. Allele origin: germline.
Comment: A gross duplication of the genomic region encompassing the full coding sequence of the XPNPEP3 gene has been identified. The boundaries of this event are unknown as the duplication extends beyond the assayed region for this gene and therefore may encompass additional genes. As the precise location of this duplication is unknown, it may be in tandem or it may be located elsewhere in the genome. This variant has not been reported in the literature in individuals with an XPNPEP3-related disease. In summary, the exact genomic location of this variant is unknown and the impact of this duplication on XPNPEP3 protein function has not been established. Therefore, it has been classified as a Variant of Uncertain Significance.